The following is an entry in ClinVar:

NM_004519.4(KCNQ3):c.36_60del (p.Gly13fs)

Gene: KCNQ3 (potassium voltage-gated channel subfamily Q member 3; minus strand). Cytogenetic location: 8q24.22.
Variant type: Deletion.
Coding change: c.36_60del on transcript NM_004519.4 (MANE Select); coding-DNA positions 36 to 60, 25 bases deleted (TGGCGGCGGCGGCGACGGGGGCGGC).
Protein change: p.Gly13fs; shifts the reading frame from glycine 13.
Molecular consequence: frameshift variant.
Genome position (GRCh38, 1-based): chr8:132,480,473-132,480,497, GCCGCCCCCGTCGCCGCCGCCGCCA deleted on the plus strand (TGGCGGCGGCGGCGACGGGGGCGGC on the coding strand, the reverse complement: KCNQ3 is on the minus strand); deleting any 25 consecutive bases within chr8:132,480,473-132,480,507 gives the same sequence; the c. name uses the placement nearest the transcript's 3' end. VCF-style (leftmost placement, unchanged base first): chr8-132480472-CGCCGCCCCCGTCGCCGCCGCCGCCA-C. GRCh37 (hg19) VCF-style: chr8-133492719-CGCCGCCCCCGTCGCCGCCGCCGCCA-C.
Other names: short protein forms G13fs.
Identifiers: ClinVar variation 205999 (VCV000205999.1), dbSNP rs772417096, ClinGen allele CA315663.

ClinVar aggregate classification (germline): Uncertain significance. Review status: criteria provided, multiple submitters, no conflicts (2 of 4 stars). 2 submissions from 2 submitters: Uncertain significance (2). Last evaluated 2015-04-14.

Submissions (2):

Genomic Diagnostic Laboratory, Division of Genomic Diagnostics, Children's Hospital of Philadelphia
Classification: Uncertain significance. Last evaluated: 2015-04-14. Review status: criteria provided, single submitter. Criteria: DGD Variant Analysis Guidelines. Collection method: clinical testing. Allele origin: unknown.

GeneDx
Classification: Uncertain significance. Last evaluated: 2014-03-11. Review status: criteria provided, single submitter. Criteria: GeneDx Variant Classification (06012015). Collection method: clinical testing. Allele origin: germline. Affected: yes.
Comment: The c.36_60del25 variant in the KCNQ3 gene causes a frameshift starting with codon Glycine 13, changes this amino acid to a Glutamic acid residue and creates a premature Stop codon at position 73 of the new reading frame, denoted p.Gly13GlufsX73. This mutation is predicted to cause loss of normal protein function either through protein truncation or nonsense-mediated mRNA decay. However, to our knowledge, all reported KCNQ3 mutations have been missense substitutions. The c.36_60del25 variant may be benign; however, the possibility that it is a disease-causing mutation cannot be excluded. The variant is found in KCNQ3 panel(s).